The following is an entry in ClinVar:

NM_005912.3(MC4R):c.752T>C (p.Ile251Thr)

Gene: MC4R (melanocortin 4 receptor; minus strand). Cytogenetic location: 18q21.32.
Variant type: single nucleotide variant.
Coding change: c.752T>C on transcript NM_005912.3 (MANE Select); coding-DNA position 752, T replaced by C.
Protein change: p.Ile251Thr; replaces isoleucine 251 with threonine.
Molecular consequence: missense variant.
Genome position (GRCh38, 1-based): chr18:60,371,598, A>G on the plus strand (T>C on the coding strand, the complement: MC4R is on the minus strand). VCF-style: chr18-60371598-A-G. GRCh37 (hg19) VCF-style: chr18-58038831-A-G.
Other names: short protein forms I251T.
Identifiers: ClinVar variation 3357414 (VCV003357414.1).

ClinVar aggregate classification (germline): Uncertain significance (0 of 4 stars; one submission).

Conditions:
MC4R-related disorder. Also called: MC4R-related condition.

Submission:

PreventionGenetics, part of Exact Sciences
Classification: Uncertain significance for MC4R-related condition. Last evaluated: 2023-12-31. Review status: no assertion criteria provided. Collection method: clinical testing. Allele origin: germline.
Comment: The MC4R c.752T>C variant is predicted to result in the amino acid substitution p.Ile251Thr. This variant was reported in the heterozygous state in an individual with early onset severe obesity and this variant was also found in this individual's mother with obesity (Patient 14, Nalbantoğlu et al. 2022. PubMed ID: 35801948). To our knowledge, this variant has not been reported in a large population database, indicating this variant is rare. A different nucleotide substitution affecting the same amino acid (p.Ile251Phe) has been reported in an individual with obesity (Bonnefond et al. 2016. PubMed ID: 27222505). At this time, the clinical significance of the c.752T>C (p.Ile251Thr) variant is uncertain due to the absence of conclusive functional and genetic evidence.